The following is an entry in ClinVar:

NM_000702.3(ATP1A2):c.-371A>T

Gene: ATP1A2 (ATPase Na+/K+ transporting subunit alpha 2; plus strand). Cytogenetic location: 1q23.2.
Variant type: single nucleotide variant.
Coding change: c.-371A>T on transcript NM_000702.3; 371 bases upstream of the start codon, A replaced by T.
Genome position (GRCh38, 1-based): chr1:160,115,491, A>T. VCF-style: chr1-160115491-A-T. GRCh37 (hg19) VCF-style: chr1-160085281-A-T.
Identifiers: ClinVar variation 668000 (VCV000668000.3), dbSNP rs1570096, ClinGen allele CA31479062.

ClinVar aggregate classification (germline): Benign (1 of 4 stars; one submission).

Allele frequency attached by ClinVar (database versions not stated): 1000 Genomes Project 1.00000; TOPMed 0.99960; gnomAD 0.99962 and 0.99967; 1000 Genomes Project 30x 1.00000.

Submission:

GeneDx
Classification: Benign. Last evaluated: 2018-06-18. Review status: criteria provided, single submitter. Criteria: GeneDx Variant Classification (06012015). Collection method: clinical testing. Allele origin: germline. Affected: yes.
Comment: This variant is considered likely benign or benign based on one or more of the following criteria: it is a conservative change, it occurs at a poorly conserved position in the protein, it is predicted to be benign by multiple in silico algorithms, and/or has population frequency not consistent with disease.